The following is an entry in ClinVar:

NM_001017995.3(SH3PXD2B):c.*624A>G

Gene: SH3PXD2B (SH3 and PX domains 2B; minus strand). Cytogenetic location: 5q35.1.
Variant type: single nucleotide variant.
Coding change: c.*624A>G on transcript NM_001017995.3 (MANE Select); 624 bases downstream of the stop codon, A replaced by G.
Molecular consequence: 3 prime UTR variant. On other transcripts: intron variant (1).
Genome position (GRCh38, 1-based): chr5:172,337,745, T>C on the plus strand (A>G on the coding strand, the complement: SH3PXD2B is on the minus strand). VCF-style: chr5-172337745-T-C. GRCh37 (hg19) VCF-style: chr5-171764749-T-C.
Other names: c.1188+8391A>G (NM_001308175.2).
Identifiers: ClinVar variation 352792 (VCV000352792.5), dbSNP rs7725797, ClinGen allele CA10624085.
Genomic context (GRCh38, chr5:172,337,745, plus strand): 5'-ACCCTTCAGGGCTGACCACGGTCCCAAGATAGAAGGTGGGAGGCAGGGCGGCTGAGCGGA[T>C]CTCCAGGCCCACTCCTGGGGGAGCCGCATCCAGTGGAACCTCAGAGGCCCACGGGCCTGA-3'

ClinVar aggregate classification (germline): Benign (1 of 4 stars; one submission).

Conditions:
Frank-Ter Haar syndrome. Also called: BORRONE DERMATOCARDIOSKELETAL SYNDROME; TER HAAR SYNDROME; MELNICK-NEEDLES SYNDROME, AUTOSOMAL RECESSIVE; Borrone di Rocco Crovato syndrome. Identifiers: Orphanet 1266, Orphanet 137834, MedGen C1855305, MONDO:0009579, OMIM 249420.

Allele frequency attached by ClinVar (database versions not stated): gnomAD exomes 0.00736; gnomAD 0.05076 and 0.05267; TOPMed 0.05667; 1000 Genomes Project 30x 0.07089; 1000 Genomes Project 0.07109.
gnomAD v4.1: 14,214 of 993,486 alleles (1.4%); highest among the groups gnomAD compares: African/African-American, 16%; 849 homozygotes.

Submission:

Illumina Laboratory Services, Illumina
Classification: Benign for Frank-Ter Haar syndrome. Last evaluated: 2018-01-12. Review status: criteria provided, single submitter. Criteria: ICSL Variant Classification Criteria 13 December 2019. Collection method: clinical testing. Allele origin: germline.
Comment: This variant was observed in the ICSL laboratory as part of a predisposition screen in an ostensibly healthy population. It had not been previously curated by ICSL or reported in the Human Gene Mutation Database (HGMD: prior to June 1st, 2018), and was therefore a candidate for classification through an automated scoring system. Utilizing variant allele frequency, disease prevalence and penetrance estimates, and inheritance mode, an automated score was calculated to assess if this variant is too frequent to cause the disease. Based on the score and internal cut-off values, a variant classified as benign is not then subjected to further curation. The score for this variant resulted in a classification of benign for this disease.